The following is an entry in ClinVar:

ClinVar aggregate classification (germline): Benign. Review status: criteria provided, multiple submitters, no conflicts (2 of 4 stars). 4 submissions from 4 submitters: Benign (3). 1 of the submissions does not count toward it. Last evaluated 2026-01-25.

Conditions:
C1QB-related disorder. Also called: C1QB-related condition.

Allele frequency attached by ClinVar (database versions not stated): ESP Exome Variant Server 0.00807; gnomAD 0.00879; TOPMed 0.00925; 1000 Genomes Project 0.01258; 1000 Genomes Project 30x 0.01390.
gnomAD v4.1: 2,633 of 1,614,028 alleles (0.16%); highest among the groups gnomAD compares: African/African-American, 3.1%; 47 homozygotes.

Submissions (4):

Labcorp Genetics (formerly Invitae), Labcorp
Classification: Benign. Last evaluated: 2026-01-25. Review status: criteria provided, single submitter. Criteria: Invitae Variant Classification Sherloc (09022015). Collection method: clinical testing. Allele origin: germline.

Women's Health and Genetics/Laboratory Corporation of America, LabCorp
Classification: Benign. Last evaluated: 2026-01-22. Review status: criteria provided, single submitter. Criteria: LabCorp Variant Classification Summary - May 2015. Collection method: clinical testing. Allele origin: germline.

Breakthrough Genomics
Classification: Benign. Review status: criteria provided, single submitter. Criteria: ACMG Guidelines, 2015. Collection method: not provided. Allele origin: germline. Inheritance: Autosomal recessive inheritance. Affected: yes.

PreventionGenetics, part of Exact Sciences
Classification: Benign for C1QB-related condition. Last evaluated: 2019-07-11. Review status: no assertion criteria provided. Collection method: clinical testing. Allele origin: germline. Not counted in ClinVar's aggregate classification.
Comment: This variant is classified as benign based on ACMG/AMP sequence variant interpretation guidelines (Richards et al. 2015 PMID: 25741868, with internal and published modifications).

NM_001378156.1(C1QB):c.60C>A (p.Ile20=)

Gene: C1QB (complement C1q B chain; plus strand). Cytogenetic location: 1p36.12.
Variant type: single nucleotide variant.
Coding change: c.60C>A on transcript NM_001378156.1 (MANE Select); coding-DNA position 60, C replaced by A.
Protein change: p.Ile20=; no amino-acid change (isoleucine 20 retained).
Molecular consequence: synonymous variant.
Genome position (GRCh38, 1-based): chr1:22,659,522, C>A. VCF-style: chr1-22659522-C-A. GRCh37 (hg19) VCF-style: chr1-22986015-C-A.
Other names: c.66C>A, p.Ile22= (NM_000491.5); c.60C>A, p.Ile20= (NM_001371184.3); c.66C>A (NM_000491.4).
Identifiers: ClinVar variation 775523 (VCV000775523.15), dbSNP rs77379868, ClinGen allele CA678082.